The following is an entry in ClinVar:

ClinVar aggregate classification (germline): Uncertain significance. Review status: criteria provided, multiple submitters, no conflicts (2 of 4 stars). 2 submissions from 2 submitters: Uncertain significance (2). Last evaluated 2025-11-24.

Conditions:
Inborn genetic diseases. Identifiers: MedGen C0950123, MeSH D030342.
Short-rib thoracic dysplasia 8 with or without polydactyly (SRTD8). Also called: SHORT-RIB THORACIC DYSPLASIA 8 WITH POLYDACTYLY. Identifiers: Orphanet 93271, MedGen C3809691, MONDO:0014214, OMIM 615503.

Allele frequency attached by ClinVar (database versions not stated): ExAC 0.00010; gnomAD 0.00015; 1000 Genomes Project 30x 0.00016; gnomAD exomes 0.00018 and 0.00031; TOPMed 0.00021.
gnomAD v4.1: 457 of 1,602,808 alleles (0.029%); highest among the groups gnomAD compares: Non-Finnish European, 0.034%; 1 homozygote.

Submissions (2):

Labcorp Genetics (formerly Invitae), Labcorp
Classification: Uncertain significance for Short-rib thoracic dysplasia 8 with or without polydactyly. Last evaluated: 2025-11-24. Review status: criteria provided, single submitter. Criteria: Invitae Variant Classification Sherloc (09022015). Collection method: clinical testing. Allele origin: germline.
Comment: This sequence change replaces lysine, which is basic and polar, with glutamic acid, which is acidic and polar, at codon 525 of the WDR60 protein (p.Lys525Glu). This variant is present in population databases (rs777679941, gnomAD 0.03%). This variant has not been reported in the literature in individuals affected with WDR60-related conditions. ClinVar contains an entry for this variant (Variation ID: 958136). An algorithm developed to predict the effect of missense changes on protein structure and function (PolyPhen-2) suggests that this variant is likely to be disruptive. In summary, the available evidence is currently insufficient to determine the role of this variant in disease. Therefore, it has been classified as a Variant of Uncertain Significance.

Ambry Genetics
Classification: Uncertain significance for Inborn genetic diseases. Last evaluated: 2022-12-01. Review status: criteria provided, single submitter. Criteria: Ambry Variant Classification Scheme 2023. Collection method: clinical testing. Allele origin: germline.

NM_018051.5(DYNC2I1):c.1573A>G (p.Lys525Glu)

Gene: DYNC2I1 (dynein 2 intermediate chain 1; plus strand). Cytogenetic location: 7q36.3.
Variant type: single nucleotide variant.
Coding change: c.1573A>G on transcript NM_018051.5 (MANE Select); coding-DNA position 1573, A replaced by G.
Protein change: p.Lys525Glu; replaces lysine 525 with glutamic acid.
Molecular consequence: missense variant.
Genome position (GRCh38, 1-based): chr7:158,911,662, A>G. VCF-style: chr7-158911662-A-G. GRCh37 (hg19) VCF-style: chr7-158704353-A-G.
Other names: c.1435A>G, p.Lys479Glu (NM_001350914.2); c.1000A>G, p.Lys334Glu (NM_001350915.2); c.112A>G, p.Lys38Glu (NM_001350916.2); c.325A>G, p.Lys109Glu (NM_001350917.2, NM_001350918.2); short protein forms K525E, K479E, K109E, K334E, K38E.
Identifiers: ClinVar variation 958136 (VCV000958136.10), dbSNP rs777679941, ClinGen allele CA4594676.